The following is an entry in ClinVar:

NM_005035.4(POLRMT):c.1696C>T (p.Pro566Ser)

Gene: POLRMT (RNA polymerase mitochondrial; minus strand). Cytogenetic location: 19p13.3.
Variant type: single nucleotide variant.
Coding change: c.1696C>T on transcript NM_005035.4 (MANE Select); coding-DNA position 1696, C replaced by T.
Protein change: p.Pro566Ser; replaces proline 566 with serine.
Molecular consequence: missense variant.
Genome position (GRCh38, 1-based): chr19:622,304, G>A on the plus strand (C>T on the coding strand, the complement: POLRMT is on the minus strand). VCF-style: chr19-622304-G-A. GRCh37 (hg19) VCF-style: chr19-622304-G-A.
Other names: short protein forms P566S.
Identifiers: ClinVar variation 791347 (VCV000791347.9), dbSNP rs41545023, ClinGen allele CA9020182.
Genomic context (GRCh38, chr19:622,304, plus strand): 5'-CCTGCACCAGCATCTCCGCCAGCAGCTTGCCCAGCTCCATCTGCACTGGCAGGGGCCAGG[G>A]CTGCTCCCGCAGGGCCTCGGGCGCCCCCAGCTCCTCCCAGTACTGCCGCGGCAGGCAGGG-3'
Protein context (NP_005026.3, residues 556-576): LGAPEALREQ[Pro566Ser]WPLPVQMELG

ClinVar aggregate classification (germline): Benign. Review status: criteria provided, multiple submitters, no conflicts (2 of 4 stars). 2 submissions from 2 submitters: Benign (2). Last evaluated 2025-11-01.

Allele frequency attached by ClinVar (database versions not stated): gnomAD 0.00617 and 0.00580; 1000 Genomes Project 0.00639; TOPMed 0.00650; 1000 Genomes Project 30x 0.00671; gnomAD exomes 0.00058 and 0.00131; ExAC 0.00329; ESP Exome Variant Server 0.00474.

Submissions (2):

CeGaT Center for Human Genetics Tuebingen
Classification: Benign. Last evaluated: 2025-11-01. Review status: criteria provided, single submitter. Criteria: CeGaT Center For Human Genetics Tuebingen Variant Classification Criteria Version 2. Collection method: clinical testing. Allele origin: germline. Affected: yes. Observed: 1 variant allele.
Comment: POLRMT: BP4, BS1, BS2

Labcorp Genetics (formerly Invitae), Labcorp
Classification: Benign. Last evaluated: 2018-04-10. Review status: criteria provided, single submitter. Criteria: Invitae Variant Classification Sherloc (09022015). Collection method: clinical testing. Allele origin: germline.